The following is an entry in ClinVar:

NM_152594.3(SPRED1):c.939G>T (p.Thr313=)

Gene: SPRED1 (sprouty related EVH1 domain containing 1; plus strand). Cytogenetic location: 15q14.
Variant type: single nucleotide variant.
Coding change: c.939G>T on transcript NM_152594.3 (MANE Select); coding-DNA position 939, G replaced by T.
Protein change: p.Thr313=; no amino-acid change (threonine 313 retained).
Molecular consequence: synonymous variant.
Genome position (GRCh38, 1-based): chr15:38,351,268, G>T. VCF-style: chr15-38351268-G-T. GRCh37 (hg19) VCF-style: chr15-38643469-G-T.
Identifiers: ClinVar variation 1156496 (VCV001156496.27), dbSNP rs140644874, ClinGen allele CA7470208.
Genomic context (GRCh38, chr15:38,351,268, plus strand): 5'-GTACTCTTGTGGGGATGAGACTAAGTTAAGTTCACCCAAAGACTCTGTGGTATTTAAGAC[G>T]CAGCCTTCCTCATTAAAAATTAAGAAGTCAAAACGAAGAAAAGAGGATGGTGAACGTTCT-3'
Protein context (NP_689807.1, residues 303-323): SSPKDSVVFK[Thr313=]QPSSLKIKKS

ClinVar aggregate classification (germline): Likely benign. Review status: criteria provided, multiple submitters, no conflicts (2 of 4 stars). 3 submissions from 3 submitters: Likely benign (3). Last evaluated 2024-08-01.

Conditions:
Legius syndrome. Identifiers: Orphanet 137605, MedGen C1969623, MONDO:0012669, OMIM 611431. Disease mechanism: loss of function.
Cardiovascular phenotype. Identifiers: MedGen CN230736.

gnomAD v4.1: 18 of 1,613,974 alleles (0.0011%); highest among the groups gnomAD compares: Middle Eastern, 0.016%; no homozygotes.

Submissions (3):

CeGaT Center for Human Genetics Tuebingen
Classification: Likely benign. Last evaluated: 2024-08-01. Review status: criteria provided, single submitter. Criteria: CeGaT Center For Human Genetics Tuebingen Variant Classification Criteria Version 2. Collection method: clinical testing. Allele origin: germline. Affected: yes. Observed: 1 variant allele.
Comment: SPRED1: BP4, BP7

Labcorp Genetics (formerly Invitae), Labcorp
Classification: Likely benign for Legius syndrome. Last evaluated: 2024-05-21. Review status: criteria provided, single submitter. Criteria: Invitae Variant Classification Sherloc (09022015). Collection method: clinical testing. Allele origin: germline.

Ambry Genetics
Classification: Likely benign for Cardiovascular phenotype. Last evaluated: 2020-03-16. Review status: criteria provided, single submitter. Criteria: Ambry Variant Classification Scheme 2023. Collection method: clinical testing. Allele origin: germline.